The following is an entry in ClinVar:

ClinVar aggregate classification (germline): Likely benign (1 of 4 stars; one submission).

Conditions:
CDH23-related disorder. Also called: CDH23-related disorders; CDH23-related condition.

gnomAD v4.1: 1 of 1,613,798 alleles (0.000062%); highest among the groups gnomAD compares: South Asian, 0.0011%; no homozygotes.

Submission:

PreventionGenetics, part of Exact Sciences
Classification: Likely benign for CDH23-related condition. Last evaluated: 2026-01-21. Review status: criteria provided, single submitter. Criteria: ACMG Guidelines, 2015. Collection method: clinical testing. Allele origin: germline.
Comment: This variant is classified as likely benign based on ACMG/AMP sequence variant interpretation guidelines (Richards et al. 2015 PMID: 25741868, with internal and published modifications).

NM_022124.6(CDH23):c.8308+6G>A

Gene: CDH23 (cadherin related 23; plus strand). Cytogenetic location: 10q22.1.
Variant type: single nucleotide variant.
Coding change: c.8308+6G>A on transcript NM_022124.6 (MANE Select); 6 bases into the intron after coding-DNA position 8308, G replaced by A.
Molecular consequence: intron variant.
Genome position (GRCh38, 1-based): chr10:71,807,412, G>A. VCF-style: chr10-71807412-G-A. GRCh37 (hg19) VCF-style: chr10-73567169-G-A.
Other names: c.1588+6G>A (NM_001171933.1, NM_001171934.1).
Identifiers: ClinVar variation 4994522 (VCV004994522.1).